The following is an entry in ClinVar:

NM_020779.4(WDR35):c.3193T>A (p.Cys1065Ser)

Gene: WDR35 (WD repeat domain 35; minus strand). Cytogenetic location: 2p24.1.
Variant type: single nucleotide variant.
Coding change: c.3193T>A on transcript NM_020779.4 (MANE Select); coding-DNA position 3193, T replaced by A.
Protein change: p.Cys1065Ser; replaces cysteine 1065 with serine.
Molecular consequence: missense variant.
Genome position (GRCh38, 1-based): chr2:19,914,206, A>T on the plus strand (T>A on the coding strand, the complement: WDR35 is on the minus strand). VCF-style: chr2-19914206-A-T. GRCh37 (hg19) VCF-style: chr2-20113967-A-T.
Other names: c.3226T>A, p.Cys1076Ser (NM_001006657.2); short protein forms C1076S, C1065S.
Identifiers: ClinVar variation 333370 (VCV000333370.11), dbSNP rs200258619, ClinGen allele CA1542723.

ClinVar aggregate classification (germline): Uncertain significance. Review status: criteria provided, multiple submitters, no conflicts (2 of 4 stars). 6 submissions from 5 submitters: Uncertain significance (6). Last evaluated 2025-08-05.

Conditions:
Cranioectodermal dysplasia 2 (CED2). Identifiers: Orphanet 1515, MedGen C3150874, MONDO:0013323, OMIM 613610.
Short-rib thoracic dysplasia 7 with or without polydactyly (SRTD7). Also called: Short rib polydactyly syndrome 5; SHORT-RIB THORACIC DYSPLASIA 7 WITH POLYDACTYLY. Identifiers: Orphanet 498497, Orphanet 93271, MedGen C3279792, MONDO:0013569, OMIM 614091.
Inborn genetic diseases. Identifiers: MedGen C0950123, MeSH D030342.

Allele frequency attached by ClinVar (database versions not stated): ExAC 0.00002; gnomAD 0.00006; TOPMed 0.00009; ESP Exome Variant Server 0.00023.
gnomAD v4.1: 95 of 1,614,028 alleles (0.0059%); highest among the groups gnomAD compares: Non-Finnish European, 0.0077%; no homozygotes.

Submissions (6):

Ambry Genetics
Classification: Uncertain significance for Inborn genetic diseases. Last evaluated: 2025-08-05. Review status: criteria provided, single submitter. Criteria: Ambry Variant Classification Scheme 2023. Collection method: clinical testing. Allele origin: germline.

Fulgent Genetics
Classification: Uncertain significance for Cranioectodermal dysplasia 2; Short-rib thoracic dysplasia 7 with or without polydactyly. Last evaluated: 2024-06-10. Review status: criteria provided, single submitter. Criteria: ACMG Guidelines, 2015. Collection method: clinical testing. Allele origin: germline.

GeneDx
Classification: Uncertain significance. Last evaluated: 2023-07-18. Review status: criteria provided, single submitter. Criteria: GeneDx Variant Classification Process June 2021. Collection method: clinical testing. Allele origin: germline. Affected: yes.
Comment: In silico analysis supports that this missense variant has a deleterious effect on protein structure/function; Has not been previously published as pathogenic or benign to our knowledge

Labcorp Genetics (formerly Invitae), Labcorp
Classification: Uncertain significance for Cranioectodermal dysplasia 2; Short-rib thoracic dysplasia 7 with or without polydactyly. Last evaluated: 2022-07-30. Review status: criteria provided, single submitter. Criteria: Invitae Variant Classification Sherloc (09022015). Collection method: clinical testing. Allele origin: germline.
Comment: This sequence change replaces cysteine, which is neutral and slightly polar, with serine, which is neutral and polar, at codon 1076 of the WDR35 protein (p.Cys1076Ser). This variant is present in population databases (rs200258619, gnomAD 0.005%). This variant has not been reported in the literature in individuals affected with WDR35-related conditions. ClinVar contains an entry for this variant (Variation ID: 333370). Algorithms developed to predict the effect of missense changes on protein structure and function are either unavailable or do not agree on the potential impact of this missense change (SIFT: "Tolerated"; PolyPhen-2: "Probably Damaging"; Align-GVGD: "Class C0"). In summary, the available evidence is currently insufficient to determine the role of this variant in disease. Therefore, it has been classified as a Variant of Uncertain Significance.

Illumina Laboratory Services, Illumina
Classification: Uncertain significance for Cranioectodermal dysplasia 2. Last evaluated: 2018-01-12. Review status: criteria provided, single submitter. Criteria: ICSL Variant Classification Criteria 13 December 2019. Collection method: clinical testing. Allele origin: germline.

Illumina Laboratory Services, Illumina
Classification: Uncertain significance for Short-rib thoracic dysplasia 7 with or without polydactyly. Last evaluated: 2018-01-12. Review status: criteria provided, single submitter. Criteria: ICSL Variant Classification Criteria 13 December 2019. Collection method: clinical testing. Allele origin: germline.